The following is an entry in ClinVar:

NM_001166114.2(PNPLA6):c.73del (p.Asp25fs)

Gene: PNPLA6 (patatin like domain 6, lysophospholipase; plus strand). Cytogenetic location: 19p13.2.
Variant type: Deletion.
Coding change: c.73del on transcript NM_001166114.2 (MANE Select); coding-DNA position 73, one base deleted (G; older notation c.73delG).
Protein change: p.Asp25fs; shifts the reading frame from aspartic acid 25.
Molecular consequence: frameshift variant. On other transcripts: intron variant (3).
Genome position (GRCh38, 1-based): chr19:7,535,861, G deleted; the last of 2 consecutive G bases (chr19:7,535,860-7,535,861); deleting either gives the same sequence. VCF-style (leftmost placement, unchanged base first): chr19-7535859-AG-A. GRCh37 (hg19) VCF-style: chr19-7600745-AG-A.
Other names: c.100del, p.Asp34fs (NM_001166111.2); c.28-72del (NM_006702.5, NM_001166112.2, NM_001166113.1); short protein forms D25fs, D34fs.
Identifiers: ClinVar variation 5006046 (VCV005006046.2).

ClinVar aggregate classification (germline): Likely pathogenic (1 of 4 stars; one submission).

Conditions:
Hereditary spastic paraplegia 39 (SPG39). Also called: SPASTIC PARAPLEGIA 39, AUTOSOMAL RECESSIVE; Spastic Paraplegia Type 39 (SPG39). Identifiers: Orphanet 139480, MedGen C2677586, MONDO:0012787, OMIM 612020.
Ataxia-hypogonadism-choroidal dystrophy syndrome (BNHS). Also called: Boucher-Neuhäuser Syndrome (BNS); Chorioretinal dystrophy, spinocerebellar ataxia and hypogonadotropic hypogonadism. Identifiers: Orphanet 1180, MedGen C1859093, MONDO:0008980, OMIM 215470.
Trichomegaly-retina pigmentary degeneration-dwarfism syndrome (OMCS). Also called: OLIVER-MCFARLANE SYNDROME; Oliver-McFarlane Syndrome (OMCS); Eyelashes long mental retardation; Trichomegaly retina pigmentary degeneration dwarfism. Identifiers: Orphanet 3363, MedGen C1848745, MONDO:0010152, OMIM 275400.
Laurence-Moon syndrome (LNMS). Also called: PNPLA6-Related Laurence-Moon Syndrome (LMS). Identifiers: Orphanet 2377, MedGen C0023138, MONDO:0009514, OMIM 245800.

Submission:

Juno Genomics, Hangzhou Juno Genomics, Inc
Classification: Likely pathogenic for Laurence-Moon syndrome; Ataxia-hypogonadism-choroidal dystrophy syndrome; Hereditary spastic paraplegia 39; Trichomegaly-retina pigmentary degeneration-dwarfism syndrome. Review status: criteria provided, single submitter. Criteria: ACMG Guidelines, 2015. Collection method: clinical testing. Allele origin: germline.
Comment: Null variant in a gene where loss of function (LOF) is a known mechanism of disease.;Absent from controls (or at extremely low frequency if recessive) in Genome Aggregation Database.